The following is an entry in ClinVar:

NM_206933.4(USH2A):c.10996T>G (p.Cys3666Gly)

Gene: USH2A (usherin; minus strand). Cytogenetic location: 1q41.
Variant type: single nucleotide variant.
Coding change: c.10996T>G on transcript NM_206933.4 (MANE Select); coding-DNA position 10996, T replaced by G.
Protein change: p.Cys3666Gly; replaces cysteine 3666 with glycine.
Molecular consequence: missense variant.
Genome position (GRCh38, 1-based): chr1:215,766,732, A>C on the plus strand (T>G on the coding strand, the complement: USH2A is on the minus strand). VCF-style: chr1-215766732-A-C. GRCh37 (hg19) VCF-style: chr1-215940074-A-C.
Other names: short protein forms C3666G.
Identifiers: ClinVar variation 236531 (VCV000236531.17), dbSNP rs766505885, ClinGen allele CA1393856.

ClinVar aggregate classification (germline): Pathogenic/Likely pathogenic. Review status: criteria provided, multiple submitters, no conflicts (2 of 4 stars). 6 submissions from 6 submitters: Pathogenic (1); Likely pathogenic (4). 1 of the submissions does not count toward it. Last evaluated 2026-05-07.

Conditions:
Usher syndrome. Also called: Usher Syndromes; Usher's syndrome. Identifiers: Orphanet 886, MedGen CN469326, MeSH D052245, MONDO:0019501. Disease mechanism: loss of function.
USH2A-related disorder. Also called: USH2A-related disorders; USH2A-related condition. Identifiers: MedGen CN239332.
Retinal dystrophy. Also called: Inherited retinal dystrophy. Identifiers: Orphanet 71862, MedGen C0854723, MeSH D058499, MONDO:0019118, HP:0000556.
Usher syndrome type 2A. Also called: USHER SYNDROME, TYPE IIA; RETINAL DISEASE IN USHER SYNDROME TYPE IIA, MODIFIER OF. Identifiers: Orphanet 231178, Orphanet 886, MedGen C1848634, MONDO:0010169, OMIM 276901.

Allele frequency attached by ClinVar (database versions not stated): gnomAD exomes below 0.00001 and 0.00001; ExAC 0.00001.
gnomAD v4.1: 14 of 1,613,714 alleles (0.00087%); highest among the groups gnomAD compares: Non-Finnish European, 0.0012%; no homozygotes.

Submissions (6):

Myriad Genetics, Inc.
Classification: Likely pathogenic for USH2A-related disorder. Last evaluated: 2026-05-07. Review status: criteria provided, single submitter. Criteria: Myriad Autosomal Dominant, Autosomal Recessive and X-Linked Classification Criteria (2023). Collection method: clinical testing. Allele origin: unknown.
Comment: NM_206933.2(USH2A):c.10996T>G(C3666G) is a missense variant classified as likely pathogenic in the context of USH2A-related disorders. C3666G has been observed in cases with relevant disease (PMID: 27208204, 38219857, 39462066, 35266249, Nespeca_NoDate(Thesis)). Relevant functional assessments of this variant are not available in the literature. C3666G has been observed in referenced population frequency databases. In summary, NM_206933.2(USH2A):c.10996T>G(C3666G) is a missense variant that has been observed more frequently in cases with the relevant disease than in healthy populations. Please note: this variant was assessed in the context of healthy population screening.

Women's Health and Genetics/Laboratory Corporation of America, LabCorp
Classification: Pathogenic for Usher syndrome. Last evaluated: 2025-07-03. Review status: criteria provided, single submitter. Criteria: LabCorp Variant Classification Summary - May 2015. Collection method: clinical testing. Allele origin: germline.
Comment: Variant summary: USH2A c.10996T>G (p.Cys3666Gly) results in a non-conservative amino acid change located in the Fibronectin type III domain (IPR003961) of the encoded protein sequence. Algorithms developed to predict the effect of missense changes on protein structure and function are either unavailable or do not agree on the potential impact of this missense change. The variant allele was found at a frequency of 4e-06 in 251436 control chromosomes. c.10996T>G has been observed in multiple individuals affected with USH2A-related disorders, including retinitis pigmentosa and Usher Syndrome (e.g. Ellingford_2016, Lin_2024, Kiel_2024, internal data). These data indicate that the variant is very likely to be associated with disease. To our knowledge, no experimental evidence demonstrating an impact on protein function has been reported. The following publications have been ascertained in the context of this evaluation (PMID: 27208204, 39103200, 35266249, 39462066, 38219857, 33749171, 31998945). ClinVar contains an entry for this variant (Variation ID: 236531). Based on the evidence outlined above, the variant was classified as pathogenic.

Natera, Inc.
Classification: Likely pathogenic for Usher syndrome type 2A. Last evaluated: 2025-02-06. Review status: criteria provided, single submitter. Criteria: Natera Variant Classification Schema (03/2026). Collection method: clinical testing. Allele origin: germline.
Comment: The c.10996T>G variant in USH2A is a missense variant predicted to cause substitution of cysteine to glycine at amino acid 3666. This variant is rare in the general population with a frequency below the threshold expected for the associated phenotype(s). This variant has been observed in one or more individuals affected with the associated recessive disease, as either homozygous or compound heterozygous with a second variant (PMID: 27208204, 31998945). Computational prediction algorithms indicate this variant is likely to affect gene or protein function. Given the available evidence, this variant is classified as Likely Pathogenic.

Labcorp Genetics (formerly Invitae), Labcorp
Classification: Likely pathogenic. Last evaluated: 2024-08-20. Review status: criteria provided, single submitter. Criteria: Invitae Variant Classification Sherloc (09022015). Collection method: clinical testing. Allele origin: germline.
Comment: This sequence change replaces cysteine, which is neutral and slightly polar, with glycine, which is neutral and non-polar, at codon 3666 of the USH2A protein (p.Cys3666Gly). This variant is present in population databases (rs766505885, gnomAD 0.0009%). This missense change has been observed in individual(s) with clinical features of USH2A-related conditions, retinitis pigmentosa, and/or Usher syndrome (PMID: 27208204, 35266249; internal data). ClinVar contains an entry for this variant (Variation ID: 236531). Invitae Evidence Modeling of protein sequence and biophysical properties (such as structural, functional, and spatial information, amino acid conservation, physicochemical variation, residue mobility, and thermodynamic stability) indicates that this missense variant is expected to disrupt USH2A protein function with a positive predictive value of 95%. In summary, the currently available evidence indicates that the variant is pathogenic, but additional data are needed to prove that conclusively. Therefore, this variant has been classified as Likely Pathogenic.

Institute of Human Genetics, Univ. Regensburg, Univ. Regensburg
Classification: Likely pathogenic for Retinal dystrophy. Last evaluated: 2019-01-01. Review status: criteria provided, single submitter. Criteria: ACMG Guidelines, 2015. Collection method: clinical testing. Allele origin: germline. Affected: yes.

Centre for Genomic Medicine, Manchester, Central Manchester University Hospitals
Classification: Uncertain significance for Retinal dystrophy. Review status: flagged submission. Collection method: clinical testing. Allele origin: germline. Affected: yes. Not counted in ClinVar's aggregate classification.
ClinVar note: Reason: Older and outlier claim with insufficient supporting evidence

Literature cited by the submitters: PubMed 31998945 (cited by Women's Health and Genetics/Laboratory Corporation of America, LabCorp and Natera, Inc.); PubMed 27208204 (cited by 4 submitters); PubMed 33749171 (cited by Women's Health and Genetics/Laboratory Corporation of America, LabCorp); PubMed 35266249 (cited by 3 submitters); PubMed 38219857 (cited by Women's Health and Genetics/Laboratory Corporation of America, LabCorp); PubMed 39462066 (cited by Women's Health and Genetics/Laboratory Corporation of America, LabCorp); PubMed 39103200 (cited by Women's Health and Genetics/Laboratory Corporation of America, LabCorp); PubMed 31964843 (cited by Institute of Human Genetics, Univ. Regensburg, Univ. Regensburg).